The following is an entry in ClinVar:

NM_000702.4(ATP1A2):c.2723G>A (p.Arg908Gln)

Gene: ATP1A2 (ATPase Na+/K+ transporting subunit alpha 2; plus strand). Cytogenetic location: 1q23.2.
Variant type: single nucleotide variant.
Coding change: c.2723G>A on transcript NM_000702.4 (MANE Select); coding-DNA position 2723, G replaced by A.
Protein change: p.Arg908Gln; replaces arginine 908 with glutamine.
Molecular consequence: missense variant.
Genome position (GRCh38, 1-based): chr1:160,136,914, G>A. VCF-style: chr1-160136914-G-A. GRCh37 (hg19) VCF-style: chr1-160106704-G-A.
Other names: short protein forms R908Q.
Identifiers: ClinVar variation 1216390 (VCV001216390.9), dbSNP rs2101996488, ClinGen allele CA343252493.
Genomic context (GRCh38, chr1:160,136,914, plus strand): 5'-CCCTTTCCTCCGACACTCTCATCTGTCTCTGCCCACCCTCCCTCCAGACCTATGAGCAGC[G>A]GAAGGTGGTGGAGTTCACGTGCCACACGGCATTCTTTGCCAGCATCGTGGTGGTGCAGTG-3'
Protein context (NP_000693.1, residues 898-918): SYGQEWTYEQ[Arg908Gln]KVVEFTCHTA

ClinVar aggregate classification (germline): Pathogenic/Likely pathogenic. Review status: criteria provided, multiple submitters, no conflicts (2 of 4 stars). 6 submissions from 5 submitters: Pathogenic (3); Likely pathogenic (1). 2 of the submissions do not count toward it. Last evaluated 2025-04-17.

Conditions:
ATP1A2-related disorder. Also called: ATP1A2-related condition; ATP1A2-RELATED DISORDERS.
Migraine, familial hemiplegic, 2. Identifiers: Orphanet 569, MedGen C1865322, MONDO:0011232, OMIM 602481.
Developmental and epileptic encephalopathy 98. Identifiers: MedGen C5562017, MONDO:0030472, OMIM 619605.

Submissions (6):

Athena Diagnostics
Classification: Pathogenic. Last evaluated: 2025-04-17. Review status: criteria provided, single submitter. Criteria: Athena Diagnostics Criteria. Collection method: clinical testing. Allele origin: unknown.
Comment: This variant has not been reported in large, multi-ethnic general populations. Assessment of experimental evidence suggests this variant results in abnormal protein function. (PMID: 18056581, 19372756, 33880529)

GeneDx
Classification: Pathogenic. Last evaluated: 2023-03-20. Review status: criteria provided, single submitter. Criteria: GeneDx Variant Classification Process June 2021. Collection method: clinical testing. Allele origin: germline. Affected: yes.
Comment: Published functional studies demonstrate a damaging effect; R908Q alters normal ATP1A2 function and decreases cell survival (Tavraz et al., 2009; deVries et al., 2007); In silico analysis supports that this missense variant has a deleterious effect on protein structure/function; Not observed in large population cohorts (gnomAD); This variant is associated with the following publications: (PMID: 25948653, 25612963, 18056581, 30097147, 33880529, 31069529, 23821026, 19372756, 24096472)

Department of Genetics, Rouen University Hospital, Normandy Center for Genomic and Personalized Medicine
Classification: Likely pathogenic for Developmental and epileptic encephalopathy 98. Last evaluated: 2022-11-08. Review status: criteria provided, single submitter. Criteria: ACMG Guidelines, 2015. Collection method: clinical testing. Allele origin: maternal. Affected: yes.

Blueprint Genetics
Classification: Pathogenic for ATP1A2-related disorders. Last evaluated: 2021-11-15. Review status: criteria provided, single submitter. Criteria: ACMG Guidelines, 2015. Collection method: clinical testing. Allele origin: germline. Affected: yes. Observed: 1 variant allele.

OMIM
Classification: Pathogenic for DEVELOPMENTAL AND EPILEPTIC ENCEPHALOPATHY 98. Last evaluated: 2007-12-04. Review status: no assertion criteria provided. Collection method: literature only. Allele origin: germline. Not counted in ClinVar's aggregate classification.

OMIM
Classification: Pathogenic for MIGRAINE, FAMILIAL HEMIPLEGIC, 2. Last evaluated: 2007-12-04. Review status: no assertion criteria provided. Collection method: literature only. Allele origin: germline. Not counted in ClinVar's aggregate classification.

Literature cited by the submitters: PubMed 18056581 (cited by Athena Diagnostics and OMIM); PubMed 19372756 (cited by Athena Diagnostics); PubMed 25948653 (cited by Athena Diagnostics); PubMed 33880529 (cited by Athena Diagnostics and OMIM); PubMed 24921013 (cited by Athena Diagnostics); PubMed 27226003 (cited by Athena Diagnostics); PubMed 27818813 (cited by Athena Diagnostics); PubMed 33882852 (cited by Athena Diagnostics); PubMed 23821026 (cited by Athena Diagnostics); PubMed 24096472 (cited by Athena Diagnostics); PubMed 18728015 (cited by Athena Diagnostics).